The following is an entry in ClinVar:

NM_002386.4(MC1R):c.260T>G (p.Val87Gly)

Gene: MC1R (melanocortin 1 receptor; plus strand). Cytogenetic location: 16q24.3.
Variant type: single nucleotide variant.
Coding change: c.260T>G on transcript NM_002386.4 (MANE Select); coding-DNA position 260, T replaced by G.
Protein change: p.Val87Gly; replaces valine 87 with glycine.
Molecular consequence: missense variant.
Genome position (GRCh38, 1-based): chr16:89,919,518, T>G. VCF-style: chr16-89919518-T-G. GRCh37 (hg19) VCF-style: chr16-89985926-T-G.
Other names: short protein forms V87G.
Identifiers: ClinVar variation 3871119 (VCV003871119.1).

ClinVar aggregate classification (germline): Uncertain significance (1 of 4 stars; one submission).

Submission:

Ambry Genetics
Classification: Uncertain significance. Last evaluated: 2025-02-16. Review status: criteria provided, single submitter. Criteria: Ambry Variant Classification Scheme 2023. Collection method: clinical testing. Allele origin: germline.
Comment: The p.V87G variant (also known as c.260T>G), located in coding exon 1 of the MC1R gene, results from a T to G substitution at nucleotide position 260. The valine at codon 87 is replaced by glycine, an amino acid with dissimilar properties. This amino acid position is conserved. In addition, the in silico prediction for this alteration is inconclusive. Based on the available evidence, the clinical significance of this variant remains unclear.